The following is an entry in ClinVar:

NM_001854.4(COL11A1):c.1402C>T (p.Pro468Ser)

Gene: COL11A1 (collagen type XI alpha 1 chain; minus strand). Cytogenetic location: 1p21.1.
Variant type: single nucleotide variant.
Coding change: c.1402C>T on transcript NM_001854.4 (MANE Select); coding-DNA position 1402, C replaced by T.
Protein change: p.Pro468Ser; replaces proline 468 with serine.
Molecular consequence: missense variant. On other transcripts: non-coding transcript variant (1).
Genome position (GRCh38, 1-based): chr1:103,017,831, G>A on the plus strand (C>T on the coding strand, the complement: COL11A1 is on the minus strand). VCF-style: chr1-103017831-G-A. GRCh37 (hg19) VCF-style: chr1-103483387-G-A.
Other names: c.1285C>T, p.Pro429Ser (NM_001190709.2); c.1438C>T, p.Pro480Ser (NM_080629.3); c.1054C>T, p.Pro352Ser (NM_080630.4); short protein forms P352S, P429S, P480S, P468S.
Identifiers: ClinVar variation 4761775 (VCV004761775.1).

ClinVar aggregate classification (germline): Uncertain significance (1 of 4 stars; one submission).

gnomAD v4.1: 1 of 1,612,638 alleles (0.000062%); highest among the groups gnomAD compares: Non-Finnish European, 0.000085%; no homozygotes.

Submission:

Labcorp Genetics (formerly Invitae), Labcorp
Classification: Uncertain significance. Last evaluated: 2025-06-23. Review status: criteria provided, single submitter. Criteria: Invitae Variant Classification Sherloc (09022015). Collection method: clinical testing. Allele origin: germline.
Comment: This sequence change replaces proline, which is neutral and non-polar, with serine, which is neutral and polar, at codon 468 of the COL11A1 protein (p.Pro468Ser). This variant is not present in population databases (gnomAD no frequency). This variant has not been reported in the literature in individuals affected with COL11A1-related conditions. Invitae Evidence Modeling of protein sequence and biophysical properties (such as structural, functional, and spatial information, amino acid conservation, physicochemical variation, residue mobility, and thermodynamic stability) indicates that this missense variant is not expected to disrupt COL11A1 protein function with a negative predictive value of 80%. In summary, the available evidence is currently insufficient to determine the role of this variant in disease. Therefore, it has been classified as a Variant of Uncertain Significance.